The following is an entry in ClinVar:

NM_016038.4(SBDS):c.629G>T (p.Cys210Phe)

Gene: SBDS (SBDS ribosome maturation factor; minus strand). Cytogenetic location: 7q11.21.
Variant type: single nucleotide variant.
Coding change: c.629G>T on transcript NM_016038.4 (MANE Select); coding-DNA position 629, G replaced by T.
Protein change: p.Cys210Phe; replaces cysteine 210 with phenylalanine.
Molecular consequence: missense variant.
Genome position (GRCh38, 1-based): chr7:66,988,495, C>A on the plus strand (G>T on the coding strand, the complement: SBDS is on the minus strand). VCF-style: chr7-66988495-C-A. GRCh37 (hg19) VCF-style: chr7-66453482-C-A.
Other names: short protein forms C210F.
Identifiers: ClinVar variation 3792733 (VCV003792733.1).

ClinVar aggregate classification (germline): Uncertain significance (1 of 4 stars; one submission).

Conditions:
Inborn genetic diseases. Identifiers: MedGen C0950123, MeSH D030342.

Submission:

Ambry Genetics
Classification: Uncertain significance for Inborn genetic diseases. Last evaluated: 2025-02-05. Review status: criteria provided, single submitter. Criteria: Ambry Variant Classification Scheme 2023. Collection method: clinical testing. Allele origin: germline.
Comment: The p.C210F variant (also known as c.629G>T), located in coding exon 5 of the SBDS gene, results from a G to T substitution at nucleotide position 629. The cysteine at codon 210 is replaced by phenylalanine, an amino acid with highly dissimilar properties. This amino acid position is conserved. In addition, this alteration is predicted to be deleterious by in silico analysis. Based on the available evidence, the clinical significance of this variant remains unclear.